The following is an entry in ClinVar:

ClinVar aggregate classification (germline): Likely benign (1 of 4 stars; one submission).

Allele frequency attached by ClinVar (database versions not stated): gnomAD exomes below 0.00001; TOPMed 0.00001.
gnomAD v4.1: 1 of 1,611,144 alleles (0.000062%); highest among the groups gnomAD compares: Non-Finnish European, 0.000085%; no homozygotes.

Submission:

GeneDx
Classification: Likely benign. Last evaluated: 2016-07-07. Review status: criteria provided, single submitter. Criteria: GeneDx Variant Classification (06012015). Collection method: clinical testing. Allele origin: germline. Affected: yes.
Comment: This variant is considered likely benign or benign based on one or more of the following criteria: it is a conservative change, it occurs at a poorly conserved position in the protein, it is predicted to be benign by multiple in silico algorithms, and/or has population frequency not consistent with disease.

NM_001191061.2(SLC25A22):c.147-17T>C

Gene: SLC25A22 (solute carrier family 25 member 22; minus strand). Cytogenetic location: 11p15.5.
Variant type: single nucleotide variant.
Coding change: c.147-17T>C on transcript NM_001191061.2 (MANE Select); 17 bases into the intron before coding-DNA position 147, T replaced by C.
Molecular consequence: intron variant.
Genome position (GRCh38, 1-based): chr11:794,530, A>G on the plus strand (T>C on the coding strand, the complement: SLC25A22 is on the minus strand). VCF-style: chr11-794530-A-G. GRCh37 (hg19) VCF-style: chr11-794530-A-G.
Other names: c.147-17T>C (NM_001191060.2, NM_024698.6).
Identifiers: ClinVar variation 387425 (VCV000387425.1), dbSNP rs1057522785, ClinGen allele CA16607032.